The following is an entry in ClinVar:

ClinVar aggregate classification (germline): Uncertain significance (1 of 4 stars; one submission).

Conditions:
Inborn genetic diseases. Identifiers: MedGen C0950123, MeSH D030342.

Submission:

Ambry Genetics
Classification: Uncertain significance for Inborn genetic diseases. Last evaluated: 2025-09-02. Review status: criteria provided, single submitter. Criteria: Ambry Variant Classification Scheme 2023. Collection method: clinical testing. Allele origin: germline.
Comment: The p.C735R variant (also known as c.2203T>C), located in coding exon 21 of the ANKRD26 gene, results from a T to C substitution at nucleotide position 2203. The cysteine at codon 735 is replaced by arginine, an amino acid with highly dissimilar properties. This amino acid position is conserved. In addition, this alteration is predicted to be tolerated by in silico analysis. Based on the available evidence, the clinical significance of this variant remains unclear.

NM_014915.3(ANKRD26):c.2203T>C (p.Cys735Arg)

Gene: ANKRD26 (ankyrin repeat domain containing 26; minus strand). Cytogenetic location: 10p12.1.
Variant type: single nucleotide variant.
Coding change: c.2203T>C on transcript NM_014915.3 (MANE Select); coding-DNA position 2203, T replaced by C.
Protein change: p.Cys735Arg; replaces cysteine 735 with arginine.
Molecular consequence: missense variant.
Genome position (GRCh38, 1-based): chr10:27,040,137, A>G on the plus strand (T>C on the coding strand, the complement: ANKRD26 is on the minus strand). VCF-style: chr10-27040137-A-G. GRCh37 (hg19) VCF-style: chr10-27329066-A-G.
Other names: c.2200T>C, p.Cys734Arg (NM_001256053.2); short protein forms C734R, C735R.
Identifiers: ClinVar variation 4104685 (VCV004104685.1).
Genomic context (GRCh38, chr10:27,040,137, plus strand): 5'-TTTTAATTTTTACTGTAAGTAGTTCACAGTGATTTTTTTTAAGTTCTAATAATCTTTCAC[A>G]TGAAAGAGCTGCATCCTGGATTTTCAATAGGCTAACAGAATCTGTATCAGGAAGAAAACA-3'
Protein context (NP_055730.2, residues 725-745): LLKIQDAALS[Cys735Arg]ERLLELKKNH